The following is an entry in ClinVar:

ClinVar aggregate classification (germline): Likely pathogenic. Review status: criteria provided, multiple submitters, no conflicts (2 of 4 stars). 2 submissions from 2 submitters: Likely pathogenic (2). Last evaluated 2025-03-03.

Conditions:
RHO-related disorder. Also called: RHO-related condition.

Submissions (2):

Labcorp Genetics (formerly Invitae), Labcorp
Classification: Likely pathogenic. Last evaluated: 2025-03-03. Review status: criteria provided, single submitter. Criteria: Invitae Variant Classification Sherloc (09022015). Collection method: clinical testing. Allele origin: germline.
Comment: This sequence change creates a premature translational stop signal (p.Cys323*) in the RHO gene. While this is not anticipated to result in nonsense mediated decay, it is expected to disrupt the last 26 amino acid(s) of the RHO protein. This variant is not present in population databases (gnomAD no frequency). This premature translational stop signal has been observed in individuals with autosomal dominant retinitis pigmentosa (PMID: 33347869; internal data). ClinVar contains an entry for this variant (Variation ID: 834364). In summary, the currently available evidence indicates that the variant is pathogenic, but additional data are needed to prove that conclusively. Therefore, this variant has been classified as Likely Pathogenic.

Blueprint Genetics
Classification: Likely pathogenic for RHO-related disorders. Last evaluated: 2019-06-23. Review status: criteria provided, single submitter. Criteria: ACMG Guidelines, 2015. Collection method: clinical testing. Allele origin: germline. Affected: yes. Observed: 2 variant alleles.

Literature cited by the submitters: PubMed 33347869 (cited by Labcorp Genetics (formerly Invitae), Labcorp).

NM_000539.3(RHO):c.969C>A (p.Cys323Ter)

Gene: RHO (rhodopsin; plus strand). Cytogenetic location: 3q22.1.
Variant type: single nucleotide variant.
Coding change: c.969C>A on transcript NM_000539.3 (MANE Select); coding-DNA position 969, C replaced by A.
Protein change: p.Cys323Ter; replaces cysteine 323 with a stop codon.
Molecular consequence: nonsense.
Genome position (GRCh38, 1-based): chr3:129,533,640, C>A. VCF-style: chr3-129533640-C-A. GRCh37 (hg19) VCF-style: chr3-129252483-C-A.
Other names: short protein forms C323*.
Identifiers: ClinVar variation 834364 (VCV000834364.10), dbSNP rs142771862, ClinGen allele CA354471139.